The following is an entry in ClinVar:

NM_000540.3(RYR1):c.6478G>C (p.Gly2160Arg)

Gene: RYR1 (ryanodine receptor 1; plus strand). Cytogenetic location: 19q13.2.
Variant type: single nucleotide variant.
Coding change: c.6478G>C on transcript NM_000540.3 (MANE Select); coding-DNA position 6478, G replaced by C.
Protein change: p.Gly2160Arg; replaces glycine 2160 with arginine.
Molecular consequence: missense variant.
Genome position (GRCh38, 1-based): chr19:38,494,555, G>C. VCF-style: chr19-38494555-G-C. GRCh37 (hg19) VCF-style: chr19-38985195-G-C.
Other names: c.6478G>C, p.Gly2160Arg (NM_001042723.2); short protein forms G2160R.
Identifiers: ClinVar variation 998406 (VCV000998406.7), dbSNP rs143398211, ClinGen allele CA068293.

ClinVar aggregate classification (germline): Uncertain significance. Review status: criteria provided, multiple submitters, no conflicts (2 of 4 stars). 2 submissions from 2 submitters: Uncertain significance (2). Last evaluated 2023-11-02.

Conditions:
RYR1-related disorder. Also called: RYR1-related disorders; RYR1-related condition. Identifiers: MedGen CN239331.
Malignant hyperthermia, susceptibility to, 1 (MHS1). Also called: RYR1-Related Malignant Hyperthermia Susceptibility; Malignant hyperthermia suceptibility 1; Anesthesia related hyperthermia; Malignant hyperpyrexia; Fulminating hyperpyrexia; Pharmacogenic myopathy. Identifiers: Orphanet 423, MedGen C2930980, MONDO:0007783, OMIM 145600.

gnomAD v4.1: 30 of 1,613,948 alleles (0.0019%); highest among the groups gnomAD compares: Admixed American, 0.0033%; no homozygotes.

Submissions (2):

Color Diagnostics, LLC DBA Color Health
Classification: Uncertain significance for Malignant hyperthermia, susceptibility to, 1. Last evaluated: 2023-11-02. Review status: criteria provided, single submitter. Criteria: ACMG Guidelines, 2015. Collection method: clinical testing. Allele origin: germline.
Comment: This missense variant replaces glycine with arginine at codon 2160 of the RYR1 protein. Computational prediction suggests that this variant may have a neutral impact on protein structure and function. This variant occurs in a region of the RYR1 protein that is considered to be a hotspot for pathogenic variants that contribute to malignant hyperthermia susceptibility (PMID: 21118704). To our knowledge, functional studies have not been reported for this variant. This variant has not been reported in individuals affected with RYR1-related disorders in the literature. This variant has been identified in 1/250500 chromosomes in the general population by the Genome Aggregation Database (gnomAD). The available evidence is insufficient to determine the role of this variant in disease conclusively. Therefore, this variant is classified as a Variant of Uncertain Significance.

Labcorp Genetics (formerly Invitae), Labcorp
Classification: Uncertain significance for RYR1-related disorder. Last evaluated: 2021-09-01. Review status: criteria provided, single submitter. Criteria: Invitae Variant Classification Sherloc (09022015). Collection method: clinical testing. Allele origin: germline.
Comment: This sequence change replaces glycine with arginine at codon 2160 of the RYR1 protein (p.Gly2160Arg). The glycine residue is highly conserved and there is a moderate physicochemical difference between glycine and arginine. This variant is present in population databases (rs143398211, ExAC 0.002%). This variant has not been reported in the literature in individuals affected with RYR1-related conditions. Advanced modeling of protein sequence and biophysical properties (such as structural, functional, and spatial information, amino acid conservation, physicochemical variation, residue mobility, and thermodynamic stability) performed at Invitae indicates that this missense variant is not expected to disrupt RYR1 protein function. In summary, the available evidence is currently insufficient to determine the role of this variant in disease. Therefore, it has been classified as a Variant of Uncertain Significance.

Literature cited by the submitters: PubMed 21118704 (cited by Color Diagnostics, LLC DBA Color Health).